The following is an entry in ClinVar:

ClinVar aggregate classification (germline): Likely pathogenic (1 of 4 stars; one submission).

Allele frequency attached by ClinVar (database versions not stated): TOPMed below 0.00001 and 0.00001; gnomAD 0.00002 and 0.00005.

Submission:

GeneDx
Classification: Likely pathogenic. Last evaluated: 2016-08-22. Review status: criteria provided, single submitter. Criteria: GeneDx Variant Classification (06012015). Collection method: clinical testing. Allele origin: germline. Affected: yes.
Comment: The A43V variant has not been published as a pathogenic variant, nor has it been reported as a benign variant to our knowledge. It was not observed in approximately 6,100 individuals of European and African American ancestry in the NHLBI Exome Sequencing Project, indicating it is not a common benign variant in these populations. This substitution occurs at a position that is conserved in mammals and in silico analysis predicts this variant is probably damaging to the protein structure/function. However, the A43V variant is a conservative amino acid substitution, which is not likely to impact secondary protein structure as these residues share similar properties. Therefore, this variant is likely pathogenic; however, the possibility that it is benign cannot be excluded.

NM_001184880.2(PCDH19):c.128C>T (p.Ala43Val)

Gene: PCDH19 (protocadherin 19; minus strand). Cytogenetic location: Xq22.1.
Variant type: single nucleotide variant.
Coding change: c.128C>T on transcript NM_001184880.2 (MANE Select); coding-DNA position 128, C replaced by T.
Protein change: p.Ala43Val; replaces alanine 43 with valine.
Molecular consequence: missense variant.
Genome position (GRCh38, 1-based): chrX:100,408,470, G>A on the plus strand (C>T on the coding strand, the complement: PCDH19 is on the minus strand). VCF-style: chrX-100408470-G-A. GRCh37 (hg19) VCF-style: chrX-99663468-G-A.
Other names: c.128C>T, p.Ala43Val (NM_001105243.2, NM_020766.3); short protein forms A43V.
Identifiers: ClinVar variation 422031 (VCV000422031.2), dbSNP rs1064795511, ClinGen allele CA16621151.